The following is an entry in ClinVar:

NM_175914.5(HNF4A):c.239G>A (p.Cys80Tyr)

Gene: HNF4A (hepatocyte nuclear factor 4 alpha; plus strand). Cytogenetic location: 20q13.12.
Variant type: single nucleotide variant.
Coding change: c.239G>A on transcript NM_175914.5 (MANE Select); coding-DNA position 239, G replaced by A.
Protein change: p.Cys80Tyr; replaces cysteine 80 with tyrosine.
Molecular consequence: missense variant.
Genome position (GRCh38, 1-based): chr20:44,407,395, G>A. VCF-style: chr20-44407395-G-A. GRCh37 (hg19) VCF-style: chr20-43036035-G-A.
Other names: c.305G>A, p.Cys102Tyr (NM_000457.6, NM_178849.3, NM_178850.3); c.239G>A, p.Cys80Tyr (NM_001030003.3, NM_001030004.3); c.284G>A, p.Cys95Tyr (NM_001258355.2); c.230G>A, p.Cys77Tyr (NM_001287182.2, NM_001287183.2, NM_001287184.2); short protein forms C102Y, C77Y, C80Y, C95Y.
Identifiers: ClinVar variation 1311406 (VCV001311406.24), dbSNP rs2146375487, ClinGen allele CA409104126.

ClinVar aggregate classification (germline): Conflicting classifications of pathogenicity. Review status: criteria provided, conflicting classifications (1 of 4 stars). 2 submissions from 2 submitters: Likely pathogenic (1); Uncertain significance (1). Last evaluated 2024-01-01.

Submissions (2):

CeGaT Center for Human Genetics Tuebingen
Classification: Likely pathogenic. Last evaluated: 2024-01-01. Review status: criteria provided, single submitter. Criteria: CeGaT Center For Human Genetics Tuebingen Variant Classification Criteria Version 2. Collection method: clinical testing. Allele origin: germline. Affected: yes. Observed: 2 variant alleles.
Comment: HNF4A: PM2, PM5, PP2, PP3, PP4

GeneDx
Classification: Uncertain significance. Last evaluated: 2019-12-17. Review status: criteria provided, single submitter. Criteria: GeneDx Variant Classification Process June 2021. Collection method: clinical testing. Allele origin: germline. Affected: yes.
Comment: Not observed in large population cohorts (Lek et al., 2016); In silico analysis supports that this missense variant has a deleterious effect on protein structure/function; In-silico analysis is inconclusive as to whether the variant alters gene splicing. In the absence of RNA/functional studies, the actual effect of this sequence change is unknown.; Has not been previously published as pathogenic or benign to our knowledge